The following is an entry in ClinVar:

NM_000170.3(GLDC):c.3015G>A (p.Met1005Ile)

Gene: GLDC (glycine decarboxylase; minus strand). Cytogenetic location: 9p24.1.
Variant type: single nucleotide variant.
Coding change: c.3015G>A on transcript NM_000170.3 (MANE Select); coding-DNA position 3015, G replaced by A.
Protein change: p.Met1005Ile; replaces methionine 1005 with isoleucine.
Molecular consequence: missense variant.
Genome position (GRCh38, 1-based): chr9:6,533,065, C>T on the plus strand (G>A on the coding strand, the complement: GLDC is on the minus strand). VCF-style: chr9-6533065-C-T. GRCh37 (hg19) VCF-style: chr9-6533065-C-T.
Other names: short protein forms M1005I.
Identifiers: ClinVar variation 3368944 (VCV003368944.1).

ClinVar aggregate classification (germline): Uncertain significance (1 of 4 stars; one submission).

Submission:

GeneDx
Classification: Uncertain significance. Last evaluated: 2024-02-08. Review status: criteria provided, single submitter. Criteria: GeneDx Variant Classification Process June 2021. Collection method: clinical testing. Allele origin: germline. Affected: yes.
Comment: Not observed at significant frequency in large population cohorts (gnomAD); In silico analysis supports that this missense variant does not alter protein structure/function; Has not been previously published as pathogenic or benign to our knowledge